The following is an entry in ClinVar:

ClinVar aggregate classification (germline): Pathogenic. Review status: criteria provided, multiple submitters, no conflicts (2 of 4 stars). 2 submissions from 2 submitters: Pathogenic (2). Last evaluated 2023-01-28.

Submissions (2):

Labcorp Genetics (formerly Invitae), Labcorp
Classification: Pathogenic. Last evaluated: 2023-01-28. Review status: criteria provided, single submitter. Criteria: Invitae Variant Classification Sherloc (09022015). Collection method: clinical testing. Allele origin: germline.
Comment: ClinVar contains an entry for this variant (Variation ID: 1301020). Algorithms developed to predict the effect of sequence changes on RNA splicing suggest that this variant may create or strengthen a splice site. For these reasons, this variant has been classified as Pathogenic. This sequence change creates a premature translational stop signal (p.Ser386Glufs*9) in the COL4A3 gene. It is expected to result in an absent or disrupted protein product. Loss-of-function variants in COL4A3 are known to be pathogenic (PMID: 8956999, 24854265, 26809805, 27281700). This variant is not present in population databases (gnomAD no frequency). This variant has not been reported in the literature in individuals affected with COL4A3-related conditions.

GeneDx
Classification: Pathogenic. Last evaluated: 2019-08-05. Review status: criteria provided, single submitter. Criteria: GeneDx Variant Classification Process June 2021. Collection method: clinical testing. Allele origin: germline. Affected: yes.
Comment: Frameshift variant predicted to result in protein truncation or nonsense mediated decay in a gene for which loss-of-function is a known mechanism of disease; Not observed in large population cohorts (Lek et al., 2016); Has not been previously published as pathogenic or benign to our knowledge

Literature cited by the submitters: PubMed 8956999 (cited by Labcorp Genetics (formerly Invitae), Labcorp); PubMed 24854265 (cited by Labcorp Genetics (formerly Invitae), Labcorp); PubMed 26809805 (cited by Labcorp Genetics (formerly Invitae), Labcorp); PubMed 27281700 (cited by Labcorp Genetics (formerly Invitae), Labcorp).

NM_000091.5(COL4A3):c.1156_1171del (p.Ser386fs)

Genes: COL4A3 (collagen type IV alpha 3 chain; plus strand), MFF-DT (MFF divergent transcript; minus strand). Cytogenetic location: 2q36.3.
Variant type: Deletion.
Coding change: c.1156_1171del on transcript NM_000091.5 (MANE Select); coding-DNA positions 1156 to 1171, 16 bases deleted (TCAAGGCCTGGCCTCA).
Protein change: p.Ser386fs; shifts the reading frame from serine 386.
Molecular consequence: frameshift variant.
Genome position (GRCh38, 1-based): chr2:227,263,785-227,263,800, TCAAGGCCTGGCCTCA deleted; deleting any 16 consecutive bases within chr2:227,263,782-227,263,800 gives the same sequence; the c. name uses the placement nearest the transcript's 3' end. VCF-style (leftmost placement, unchanged base first): chr2-227263781-ATCATCAAGGCCTGGCC-A. GRCh37 (hg19) VCF-style: chr2-228128497-ATCATCAAGGCCTGGCC-A.
Other names: short protein forms S386fs.
Identifiers: ClinVar variation 1301020 (VCV001301020.5), dbSNP rs2125972268, ClinGen allele CA2573051880.